The following is an entry in ClinVar:

ClinVar aggregate classification (germline): Uncertain significance (1 of 4 stars; one submission).

Conditions:
Seizures, benign familial infantile, 3 (BFIS3). Also called: CONVULSIONS, BENIGN FAMILIAL INFANTILE, 3; Familial neonatal seizures. Identifiers: Orphanet 140927, Orphanet 306, MedGen C1843140, MONDO:0011904, OMIM 607745.
Developmental and epileptic encephalopathy, 11 (DEE11). Also called: Early infantile epileptic encephalopathy 11. Identifiers: Orphanet 1934, MedGen C3150987, MONDO:0013388, OMIM 613721.

Allele frequency attached by ClinVar (database versions not stated): ExAC 0.00001; gnomAD exomes 0.00002.
gnomAD v4.1: 25 of 1,613,754 alleles (0.0015%); highest among the groups gnomAD compares: Non-Finnish European, 0.0019%; no homozygotes.

Submission:

Labcorp Genetics (formerly Invitae), Labcorp
Classification: Uncertain significance for Seizures, benign familial infantile, 3; Developmental and epileptic encephalopathy, 11. Last evaluated: 2022-11-24. Review status: criteria provided, single submitter. Criteria: Invitae Variant Classification Sherloc (09022015). Collection method: clinical testing. Allele origin: germline.
Comment: This variant is present in population databases (rs776206684, gnomAD 0.0009%). This variant has not been reported in the literature in individuals affected with SCN2A-related conditions. Advanced modeling of protein sequence and biophysical properties (such as structural, functional, and spatial information, amino acid conservation, physicochemical variation, residue mobility, and thermodynamic stability) performed at Invitae indicates that this missense variant is expected to disrupt SCN2A protein function. In summary, the available evidence is currently insufficient to determine the role of this variant in disease. Therefore, it has been classified as a Variant of Uncertain Significance. This sequence change replaces threonine, which is neutral and polar, with methionine, which is neutral and non-polar, at codon 400 of the SCN2A protein (p.Thr400Met).

NM_001040142.2(SCN2A):c.1199C>T (p.Thr400Met)

Gene: SCN2A (sodium voltage-gated channel alpha subunit 2; plus strand). Cytogenetic location: 2q24.3.
Variant type: single nucleotide variant.
Coding change: c.1199C>T on transcript NM_001040142.2 (MANE Select); coding-DNA position 1199, C replaced by T.
Protein change: p.Thr400Met; replaces threonine 400 with methionine.
Molecular consequence: missense variant.
Genome position (GRCh38, 1-based): chr2:165,313,924, C>T. VCF-style: chr2-165313924-C-T. GRCh37 (hg19) VCF-style: chr2-166170434-C-T.
Other names: c.1199C>T, p.Thr400Met (NM_001040143.2, NM_001371246.1, NM_001371247.1 and 1 more transcripts); short protein forms T400M.
Identifiers: ClinVar variation 2928461 (VCV002928461.3), dbSNP rs776206684, ClinGen allele CA1939779.
Genomic context (GRCh38, chr2:165,313,924, plus strand): 5'-TATATAAAATTTATTAAAATCTCTCTTCCATTTTGCAGACACTACGTGCTGCTGGGAAAA[C>T]GTACATGATATTTTTTGTGCTGGTCATTTTCTTGGGCTCATTCTATCTAATAAATTTGAT-3'
Protein context (NP_001035232.1, residues 390-410): YQLTLRAAGK[Thr400Met]YMIFFVLVIF